The following is an entry in ClinVar:

ClinVar aggregate classification (germline): Conflicting classifications of pathogenicity. Review status: criteria provided, conflicting classifications (1 of 4 stars). 2 submissions from 2 submitters: Pathogenic (1); Uncertain significance (1). Last evaluated 2021-11-03.

Conditions:
Acute myeloid leukemia (AML). Also called: Acute myeloid leukemia, adult; AML adult; Acute non-lymphocytic leukemia; Acute granulocytic leukemia; Leukemia, acute myelogenous, somatic; Leukemia, acute myeloid, somatic. Identifiers: Orphanet 519, MedGen C0023467, MeSH D015470, MONDO:0018874, OMIM 601626, HP:0004808. Disease mechanism: Constitutively activated FLT3.

Allele frequency attached by ClinVar (database versions not stated): ExAC 0.00002; gnomAD exomes 0.00003 and 0.00007; TOPMed 0.00003; gnomAD 0.00006 and 0.00007; ESP Exome Variant Server 0.00008.
gnomAD v4.1: 103 of 1,613,960 alleles (0.0064%); highest among the groups gnomAD compares: Non-Finnish European, 0.0085%; no homozygotes.

Submissions (2):

Institute for Clinical Genetics, University Hospital TU Dresden, University Hospital TU Dresden
Classification: Uncertain significance. Last evaluated: 2021-11-03. Review status: criteria provided, single submitter. Criteria: ACMG Guidelines, 2015. Collection method: clinical testing. Allele origin: germline.

Baylor Genetics
Classification: Pathogenic for Acute myeloid leukemia. Last evaluated: 2019-08-06. Review status: criteria provided, single submitter. Criteria: ACMG Guidelines, 2015. Collection method: clinical testing. Allele origin: maternal. Affected: yes.
Comment: This variant was determined to be pathogenic according to ACMG Guidelines, 2015 [PMID:25741868].

NM_001375462.1(LPP):c.1354C>T (p.Arg452Ter)

Gene: LPP (LIM domain containing preferred translocation partner in lipoma; plus strand). Cytogenetic location: 3q28.
Variant type: single nucleotide variant.
Coding change: c.1354C>T on transcript NM_001375462.1 (MANE Select); coding-DNA position 1354, C replaced by T.
Protein change: p.Arg452Ter; replaces arginine 452 with a stop codon.
Molecular consequence: nonsense. On other transcripts: non-coding transcript variant (1).
Genome position (GRCh38, 1-based): chr3:188,760,226, C>T. VCF-style: chr3-188760226-C-T. GRCh37 (hg19) VCF-style: chr3-188478014-C-T.
Other names: c.1354C>T, p.Arg452Ter (NM_001387663.1, NM_001387664.1, NM_001387665.1 and 21 more transcripts); c.865C>T, p.Arg289Ter (NM_001387675.1, NM_001387676.1); c.913C>T, p.Arg305Ter (NM_001167672.3); short protein forms R289*, R305*, R452*.
Identifiers: ClinVar variation 1028399 (VCV001028399.5), dbSNP rs202115941, ClinGen allele CA2751520.
Genomic context (GRCh38, chr3:188,760,226, plus strand): 5'-GCCATGGATCAGGTCTTCCACGTGGATTGTTTTACCTGCATCATCTGCAACAACAAGCTC[C>T]GAGGGCAGCCATTCTATGCTGTGGAAAAGAAAGCATACTGCGAGCCCTGCTACATTGTAA-3'